The following is an entry in ClinVar:

NM_024422.6(DSC2):c.2162C>T (p.Thr721Met)

Gene: DSC2 (desmocollin 2; minus strand). Cytogenetic location: 18q12.1.
Variant type: single nucleotide variant.
Coding change: c.2162C>T on transcript NM_024422.6 (MANE Select); coding-DNA position 2162, C replaced by T.
Protein change: p.Thr721Met; replaces threonine 721 with methionine.
Molecular consequence: missense variant.
Genome position (GRCh38, 1-based): chr18:31,070,814, G>A on the plus strand (C>T on the coding strand, the complement: DSC2 is on the minus strand). VCF-style: chr18-31070814-G-A. GRCh37 (hg19) VCF-style: chr18-28650780-G-A.
Other names: c.2162C>T, p.Thr721Met (NM_004949.5); short protein forms T721M.
Identifiers: ClinVar variation 872389 (VCV000872389.34), dbSNP rs759513934, ClinGen allele CA035202.
Genomic context (GRCh38, chr18:31,070,814, plus strand): 5'-TTTGATACAATTAGGTTCTGCTGGGCTAAATCATCAGGAATTACTTTTGGTTGTTTAGAC[G>A]TCCCAGAAGCCCCACAGACCAGCGTAAACAGGATGCCTGGAGGAAGAAAGAAATATACTT-3'
Protein context (NP_077740.1, residues 711-731): LFTLVCGASG[Thr721Met]SKQPKVIPDD

ClinVar aggregate classification (germline): Conflicting classifications of pathogenicity. Review status: criteria provided, conflicting classifications (1 of 4 stars). 9 submissions from 9 submitters: Uncertain significance (7); Benign (1); Likely benign (1). Last evaluated 2026-09-01.

Conditions:
Cardiovascular phenotype. Identifiers: MedGen CN230736.
DSC2-related disorder. Also called: DSC2-related condition.
Arrhythmogenic right ventricular dysplasia 11. Also called: Arrhythmogenic right ventricular dysplasia 11 with mild palmoplantar keratoderma and woolly hair; Arrhythmogenic Right Ventricular Dysplasia/Cardiomyopathy11; ARRHYTHMOGENIC RIGHT VENTRICULAR DYSPLASIA, FAMILIAL, 11. Identifiers: MedGen C1864850, MONDO:0012506, OMIM 610476.
Familial isolated arrhythmogenic right ventricular dysplasia. Identifiers: Orphanet 217656, MedGen C4274968, MONDO:0016342.
Cardiomyopathy (CMYO). Also called: Cardiomyopathies. Identifiers: Orphanet 167848, MedGen C0878544, MONDO:0004994, HP:0001638. Inheritance: Various modes of inheritance.

Allele frequency attached by ClinVar (database versions not stated): gnomAD exomes 0.00002; ExAC 0.00003; gnomAD 0.00005 and 0.00006; TOPMed 0.00005.
gnomAD v4.1: 83 of 1,613,692 alleles (0.0051%); highest among the groups gnomAD compares: Middle Eastern, 0.082%; 1 homozygote.

Submissions (9):

CeGaT Center for Human Genetics Tuebingen
Classification: Likely benign. Last evaluated: 2026-09-01. Review status: criteria provided, single submitter. Criteria: CeGaT Center For Human Genetics Tuebingen Variant Classification Criteria Version 2. Collection method: clinical testing. Allele origin: germline. Affected: yes. Observed: 1 variant allele.
Comment: DSC2: BP4

Labcorp Genetics (formerly Invitae), Labcorp
Classification: Uncertain significance for Arrhythmogenic right ventricular dysplasia 11. Last evaluated: 2025-12-29. Review status: criteria provided, single submitter. Criteria: Invitae Variant Classification Sherloc (09022015). Collection method: clinical testing. Allele origin: germline.
Comment: This sequence change replaces threonine, which is neutral and polar, with methionine, which is neutral and non-polar, at codon 721 of the DSC2 protein (p.Thr721Met). This variant is present in population databases (rs759513934, gnomAD 0.004%). This missense change has been observed in individual(s) with dilated cardiomyopathy (PMID: 31983221). ClinVar contains an entry for this variant (Variation ID: 872389). Invitae Evidence Modeling of protein sequence and biophysical properties (such as structural, functional, and spatial information, amino acid conservation, physicochemical variation, residue mobility, and thermodynamic stability) indicates that this missense variant is not expected to disrupt DSC2 protein function with a negative predictive value of 80%. In summary, the available evidence is currently insufficient to determine the role of this variant in disease. Therefore, it has been classified as a Variant of Uncertain Significance.

PreventionGenetics, part of Exact Sciences
Classification: Uncertain significance for DSC2-related condition. Last evaluated: 2024-10-09. Review status: criteria provided, single submitter. Criteria: ACMG Guidelines, 2015. Collection method: clinical testing. Allele origin: germline.
Comment: The DSC2 c.2162C>T variant is predicted to result in the amino acid substitution p.Thr721Met. This variant has been reported in an individual with dilated cardiomyopathy (Table S3, Mazzarotto et al. 2020. PubMed ID: 31983221). This variant is reported in 0.0044% of alleles in individuals of European (Non-Finnish) descent in gnomAD. At this time, the clinical significance of this variant is uncertain due to the absence of conclusive functional and genetic evidence.

All of Us Research Program, National Institutes of Health
Classification: Uncertain significance for Familial isolated arrhythmogenic right ventricular dysplasia. Last evaluated: 2024-08-30. Review status: criteria provided, single submitter. Criteria: ACMG Guidelines, 2015. Collection method: clinical testing. Allele origin: germline. Inheritance: Autosomal dominant inheritance. Observed: 12 variant alleles, 12 heterozygotes.
Comment: This missense variant replaces threonine with methionine at codon 721 of the DSC2 protein. Computational prediction suggests that this variant may not impact protein structure and function (internally defined REVEL score threshold <= 0.5, PMID: 27666373). To our knowledge, functional studies have not been reported for this variant. This variant has not been reported in individuals affected with cardiovascular disorders in the literature. This variant has been identified in 6/251264 chromosomes in the general population by the Genome Aggregation Database (gnomAD). The available evidence is insufficient to determine the role of this variant in disease conclusively. Therefore, this variant is classified as a Variant of Uncertain Significance.

This study involves interpretation of variants in research participants for the purpose of population health screening. Participant phenotype was not available at the time of variant classification. Additional details can be found in publication PMID: 35346344, PMCID: PMC8962531

Color Diagnostics, LLC DBA Color Health
Classification: Uncertain significance for Cardiomyopathy. Last evaluated: 2024-02-23. Review status: criteria provided, single submitter. Criteria: ACMG Guidelines, 2015. Collection method: clinical testing. Allele origin: germline.
Comment: This missense variant replaces threonine with methionine at codon 721 of the DSC2 protein. Computational prediction suggests that this variant may not impact protein structure and function (internally defined REVEL score threshold <= 0.5, PMID: 27666373). To our knowledge, functional studies have not been reported for this variant. This variant has not been reported in individuals affected with DSC2-related disorders in the literature. This variant has been identified in 6/251264 chromosomes in the general population by the Genome Aggregation Database (gnomAD). The available evidence is insufficient to determine the role of this variant in disease conclusively. Therefore, this variant is classified as a Variant of Uncertain Significance.

Ambry Genetics
Classification: Benign for Cardiovascular phenotype. Last evaluated: 2023-11-02. Review status: criteria provided, single submitter. Criteria: Ambry Variant Classification Scheme 2023. Collection method: clinical testing. Allele origin: germline.

Fulgent Genetics
Classification: Uncertain significance for Arrhythmogenic right ventricular dysplasia 11. Last evaluated: 2021-10-28. Review status: criteria provided, single submitter. Criteria: ACMG Guidelines, 2015. Collection method: clinical testing. Allele origin: unknown.

Laboratorio de Genetica e Diagnostico Molecular, Hospital Israelita Albert Einstein
Classification: Uncertain significance. Last evaluated: 2020-01-27. Review status: criteria provided, single submitter. Criteria: ACMG Guidelines, 2015. Collection method: clinical testing. Allele origin: germline. Affected: yes.
Comment: ACMG classification criteria: PM2, BP4

Illumina Laboratory Services, Illumina
Classification: Uncertain significance for Arrhythmogenic right ventricular dysplasia 11. Last evaluated: 2018-01-13. Review status: criteria provided, single submitter. Criteria: ICSL Variant Classification Criteria 13 December 2019. Collection method: clinical testing. Allele origin: germline.

Literature cited by the submitters: PubMed 31983221 (cited by Labcorp Genetics (formerly Invitae), Labcorp and Ambry Genetics).